The following is an entry in ClinVar:

NM_024757.5(EHMT1):c.2996C>T (p.Ala999Val)

Gene: EHMT1 (euchromatic histone lysine methyltransferase 1; plus strand). Cytogenetic location: 9q34.3.
Variant type: single nucleotide variant.
Coding change: c.2996C>T on transcript NM_024757.5 (MANE Select); coding-DNA position 2996, C replaced by T.
Protein change: p.Ala999Val; replaces alanine 999 with valine.
Molecular consequence: missense variant.
Genome position (GRCh38, 1-based): chr9:137,813,134, C>T. VCF-style: chr9-137813134-C-T. GRCh37 (hg19) VCF-style: chr9-140707586-C-T.
Other names: c.2975C>T, p.Ala992Val (NM_001354263.2); short protein forms A999V, A992V.
Identifiers: ClinVar variation 210923 (VCV000210923.15), dbSNP rs747347498, ClinGen allele CA207861.

ClinVar aggregate classification (germline): Likely benign. Review status: criteria provided, multiple submitters, no conflicts (2 of 4 stars). 3 submissions from 3 submitters: Likely benign (3). Last evaluated 2025-06-14.

Conditions:
EHMT1-related disorder. Also called: EHMT1-related condition.
Kleefstra syndrome 1 (KLEFS1). Identifiers: Orphanet 261494, MedGen C0795833, MONDO:0027407, OMIM 610253.

Allele frequency attached by ClinVar (database versions not stated): TOPMed below 0.00001; gnomAD exomes 0.00003 and 0.00005; ExAC 0.00008.
gnomAD v4.1: 47 of 1,612,038 alleles (0.0029%); highest among the groups gnomAD compares: South Asian, 0.035%; no homozygotes.

Submissions (3):

Labcorp Genetics (formerly Invitae), Labcorp
Classification: Likely benign for Kleefstra syndrome 1. Last evaluated: 2025-06-14. Review status: criteria provided, single submitter. Criteria: Invitae Variant Classification Sherloc (09022015). Collection method: clinical testing. Allele origin: germline.

PreventionGenetics, part of Exact Sciences
Classification: Likely benign for EHMT1-related condition. Last evaluated: 2025-01-25. Review status: criteria provided, single submitter. Criteria: ACMG Guidelines, 2015. Collection method: clinical testing. Allele origin: germline.
Comment: This variant is classified as likely benign based on ACMG/AMP sequence variant interpretation guidelines (Richards et al. 2015 PMID: 25741868, with internal and published modifications).

Genetic Services Laboratory, University of Chicago
Classification: Likely benign. Last evaluated: 2015-05-15. Review status: criteria provided, single submitter. Criteria: ACMG Guidelines, 2015. Collection method: clinical testing. Allele origin: germline.